The following is an entry in ClinVar:

ClinVar aggregate classification (germline): Uncertain significance. Review status: criteria provided, multiple submitters, no conflicts (2 of 4 stars). 2 submissions from 2 submitters: Uncertain significance (2). Last evaluated 2023-03-31.

Conditions:
Klippel-Feil anomaly-myopathy-facial dysmorphism syndrome. Also called: Klippel-feil syndrome 4, autosomal recessive, with nemaline myopathy and facial dysmorphism; Klippel-Feil syndrome 4, autosomal recessive, with myopathy and facial dysmorphism. Identifiers: Orphanet 447974, MedGen C4225285, MONDO:0014689, OMIM 616549.

Allele frequency attached by ClinVar (database versions not stated): gnomAD 0.00001 and 0.00002; TOPMed 0.00002; 1000 Genomes Project 30x 0.00016; 1000 Genomes Project 0.00020.
gnomAD v4.1: 88 of 1,611,368 alleles (0.0055%); highest among the groups gnomAD compares: Non-Finnish European, 0.0072%; no homozygotes.

Submissions (2):

Revvity Omics, Revvity
Classification: Uncertain significance for Klippel-Feil anomaly-myopathy-facial dysmorphism syndrome. Last evaluated: 2023-03-31. Review status: criteria provided, single submitter. Criteria: ACMG Guidelines, 2015. Collection method: clinical testing. Allele origin: germline.

Labcorp Genetics (formerly Invitae), Labcorp
Classification: Uncertain significance. Last evaluated: 2022-07-19. Review status: criteria provided, single submitter. Criteria: Invitae Variant Classification Sherloc (09022015). Collection method: clinical testing. Allele origin: germline.
Comment: This sequence change replaces isoleucine, which is neutral and non-polar, with valine, which is neutral and non-polar, at codon 830 of the MYO18B protein (p.Ile830Val). This variant is present in population databases (rs544705080, gnomAD 0.006%). This variant has not been reported in the literature in individuals affected with MYO18B-related conditions. ClinVar contains an entry for this variant (Variation ID: 1466618). Algorithms developed to predict the effect of missense changes on protein structure and function are either unavailable or do not agree on the potential impact of this missense change (SIFT: "Not Available"; PolyPhen-2: "Possibly Damaging"; Align-GVGD: "Not Available"). In summary, the available evidence is currently insufficient to determine the role of this variant in disease. Therefore, it has been classified as a Variant of Uncertain Significance.

NM_032608.7(MYO18B):c.2488A>G (p.Ile830Val)

Gene: MYO18B (myosin XVIIIB; plus strand). Cytogenetic location: 22q12.1.
Variant type: single nucleotide variant.
Coding change: c.2488A>G on transcript NM_032608.7 (MANE Select); coding-DNA position 2488, A replaced by G.
Protein change: p.Ile830Val; replaces isoleucine 830 with valine.
Molecular consequence: missense variant.
Genome position (GRCh38, 1-based): chr22:25,798,064, A>G. VCF-style: chr22-25798064-A-G. GRCh37 (hg19) VCF-style: chr22-26194031-A-G.
Other names: c.2488A>G, p.Ile830Val (NM_001318245.2); short protein forms I830V.
Identifiers: ClinVar variation 1466618 (VCV001466618.7), dbSNP rs544705080, ClinGen allele CA10160182.